The following is an entry in ClinVar:

NM_001267550.2(TTN):c.30204A>C (p.Ser10068=)

Gene: TTN (titin; minus strand). Cytogenetic location: 2q31.2.
Variant type: single nucleotide variant.
Coding change: c.30204A>C on transcript NM_001267550.2 (MANE Select); coding-DNA position 30204, A replaced by C.
Protein change: p.Ser10068=; no amino-acid change (serine 10068 retained).
Molecular consequence: synonymous variant. On other transcripts: intron variant (3).
Genome position (GRCh38, 1-based): chr2:178,704,166, T>G on the plus strand (A>C on the coding strand, the complement: TTN is on the minus strand). VCF-style: chr2-178704166-T-G. GRCh37 (hg19) VCF-style: chr2-179568893-T-G.
Other names: c.29253A>C, p.Ser9751= (NM_001256850.1); c.26472A>C, p.Ser8824= (NM_133378.4); c.13282+33916A>C (NM_003319.4); c.13858+33916A>C (NM_133437.4); c.13657+33916A>C (NM_133432.3).
Identifiers: ClinVar variation 2672845 (VCV002672845.25), dbSNP rs1460548116, ClinGen allele CA430133902.

ClinVar aggregate classification (germline): Likely benign. Review status: criteria provided, multiple submitters, no conflicts (2 of 4 stars). 2 submissions from 2 submitters: Likely benign (2). Last evaluated 2024-11-26.

Conditions:
Dilated cardiomyopathy 1G (CMD1G). Identifiers: Orphanet 154, MedGen C1858763, MONDO:0011400, OMIM 604145.
Autosomal recessive limb-girdle muscular dystrophy type 2J (LGMDR10). Also called: Limb-girdle muscular dystrophy, type 2J; MUSCULAR DYSTROPHY, LIMB-GIRDLE, AUTOSOMAL RECESSIVE 10. Identifiers: Orphanet 140922, MedGen C1837342, MONDO:0012127, OMIM 608807.

Allele frequency attached by ClinVar (database versions not stated): gnomAD exomes below 0.00001; TOPMed below 0.00001; gnomAD 0.00001.
gnomAD v4.1: 7 of 1,613,836 alleles (0.00043%); highest among the groups gnomAD compares: Non-Finnish European, 0.00042%; no homozygotes.

Submissions (2):

Labcorp Genetics (formerly Invitae), Labcorp
Classification: Likely benign for Dilated cardiomyopathy 1G; Autosomal recessive limb-girdle muscular dystrophy type 2J. Last evaluated: 2024-11-26. Review status: criteria provided, single submitter. Criteria: Invitae Variant Classification Sherloc (09022015). Collection method: clinical testing. Allele origin: germline.

CeGaT Center for Human Genetics Tuebingen
Classification: Likely benign. Last evaluated: 2023-11-01. Review status: criteria provided, single submitter. Criteria: CeGaT Center For Human Genetics Tuebingen Variant Classification Criteria Version 2. Collection method: clinical testing. Allele origin: germline. Affected: yes. Observed: 1 variant allele.
Comment: TTN: BP4, BP7